The following is an entry in ClinVar:

NM_001130009.3(GEN1):c.991G>A (p.Val331Ile)

Gene: GEN1 (GEN1 structure-specific endonuclease; plus strand). Cytogenetic location: 2p24.2.
Variant type: single nucleotide variant.
Coding change: c.991G>A on transcript NM_001130009.3 (MANE Select); coding-DNA position 991, G replaced by A.
Protein change: p.Val331Ile; replaces valine 331 with isoleucine.
Molecular consequence: missense variant.
Genome position (GRCh38, 1-based): chr2:17,773,219, G>A. VCF-style: chr2-17773219-G-A. GRCh37 (hg19) VCF-style: chr2-17954486-G-A.
Other names: c.991G>A (NM_001130009.1); c.991G>A, p.Val331Ile (NM_182625.5); short protein forms V331I.
Identifiers: ClinVar variation 1496422 (VCV001496422.7), dbSNP rs1419581946, ClinGen allele CA345918242.

ClinVar aggregate classification (germline): Uncertain significance. Review status: criteria provided, multiple submitters, no conflicts (2 of 4 stars). 2 submissions from 2 submitters: Uncertain significance (2). Last evaluated 2025-12-28.

Allele frequency attached by ClinVar (database versions not stated): gnomAD exomes below 0.00001; gnomAD 0.00001.
gnomAD v4.1: 2 of 1,591,114 alleles (0.00013%); highest among the groups gnomAD compares: Admixed American, 0.0034%; no homozygotes.

Submissions (2):

Labcorp Genetics (formerly Invitae), Labcorp
Classification: Uncertain significance. Last evaluated: 2025-12-28. Review status: criteria provided, single submitter. Criteria: Invitae Variant Classification Sherloc (09022015). Collection method: clinical testing. Allele origin: germline.
Comment: This sequence change replaces valine, which is neutral and non-polar, with isoleucine, which is neutral and non-polar, at codon 331 of the GEN1 protein (p.Val331Ile). This variant is present in population databases (no rsID available, gnomAD 0.003%). This variant has not been reported in the literature in individuals affected with GEN1-related conditions. ClinVar contains an entry for this variant (Variation ID: 1496422). An algorithm developed to predict the effect of missense changes on protein structure and function (PolyPhen-2) suggests that this variant is likely to be tolerated. Algorithms developed to predict the effect of sequence changes on RNA splicing suggest that this variant may disrupt the consensus splice site. In summary, the available evidence is currently insufficient to determine the role of this variant in disease. Therefore, it has been classified as a Variant of Uncertain Significance.

Ambry Genetics
Classification: Uncertain significance. Last evaluated: 2025-08-26. Review status: criteria provided, single submitter. Criteria: Ambry Variant Classification Scheme 2023. Collection method: clinical testing. Allele origin: germline.